The following is an entry in ClinVar:

NM_018136.5(ASPM):c.8929A>G (p.Ile2977Val)

Gene: ASPM (assembly factor for spindle microtubules; minus strand). Cytogenetic location: 1q31.3.
Variant type: single nucleotide variant.
Coding change: c.8929A>G on transcript NM_018136.5 (MANE Select); coding-DNA position 8929, A replaced by G.
Protein change: p.Ile2977Val; replaces isoleucine 2977 with valine.
Molecular consequence: missense variant.
Genome position (GRCh38, 1-based): chr1:197,096,056, T>C on the plus strand (A>G on the coding strand, the complement: ASPM is on the minus strand). VCF-style: chr1-197096056-T-C. GRCh37 (hg19) VCF-style: chr1-197065186-T-C.
Other names: c.4174A>G, p.Ile1392Val (NM_001206846.2); c.8929A>G (NM_018136.4); short protein forms I2977V, I1392V.
Identifiers: ClinVar variation 1510879 (VCV001510879.6), dbSNP rs148818072, ClinGen allele CA1309109.

ClinVar aggregate classification (germline): Conflicting classifications of pathogenicity. Review status: criteria provided, conflicting classifications (1 of 4 stars). 2 submissions from 2 submitters: Uncertain significance (1); Likely benign (1). Last evaluated 2025-01-10.

Conditions:
Inborn genetic diseases. Identifiers: MedGen C0950123, MeSH D030342.

Allele frequency attached by ClinVar (database versions not stated): 1000 Genomes Project 30x 0.00031; gnomAD exomes 0.00011; ExAC 0.00012; ESP Exome Variant Server 0.00015; gnomAD 0.00023; 1000 Genomes Project 0.00040.
gnomAD v4.1: 156 of 1,609,040 alleles (0.0097%); highest among the groups gnomAD compares: African/African-American, 0.028%; no homozygotes.

Submissions (2):

Ambry Genetics
Classification: Likely benign for Inborn genetic diseases. Last evaluated: 2025-01-10. Review status: criteria provided, single submitter. Criteria: Ambry Variant Classification Scheme 2023. Collection method: clinical testing. Allele origin: germline.

Labcorp Genetics (formerly Invitae), Labcorp
Classification: Uncertain significance. Last evaluated: 2024-03-13. Review status: criteria provided, single submitter. Criteria: Invitae Variant Classification Sherloc (09022015). Collection method: clinical testing. Allele origin: germline.
Comment: This sequence change replaces isoleucine, which is neutral and non-polar, with valine, which is neutral and non-polar, at codon 2977 of the ASPM protein (p.Ile2977Val). This variant is present in population databases (rs148818072, gnomAD 0.04%). This variant has not been reported in the literature in individuals affected with ASPM-related conditions. ClinVar contains an entry for this variant (Variation ID: 1510879). Algorithms developed to predict the effect of missense changes on protein structure and function output the following: SIFT: "Not Available"; PolyPhen-2: "Benign"; Align-GVGD: "Not Available". The valine amino acid residue is found in multiple mammalian species, which suggests that this missense change does not adversely affect protein function. In summary, the available evidence is currently insufficient to determine the role of this variant in disease. Therefore, it has been classified as a Variant of Uncertain Significance.